The following is an entry in ClinVar:

ClinVar aggregate classification (germline): Conflicting classifications of pathogenicity. Review status: criteria provided, conflicting classifications (1 of 4 stars). 5 submissions from 5 submitters: Uncertain significance (2); Benign (1); Likely benign (2). Last evaluated 2026-05-21.

Conditions:
Macrothrombocytopenia, isolated, 1, autosomal dominant (MACTHC1). Also called: Autosomal dominant macrothrombocytopenia TUBB1-related. Identifiers: Orphanet 140957, MedGen C5676892, MONDO:0800047, OMIM 613112.

Allele frequency attached by ClinVar (database versions not stated): gnomAD 0.00026 and 0.00028; TOPMed 0.00026; gnomAD exomes 0.00028 and 0.00045; ExAC 0.00035; ESP Exome Variant Server 0.00054.
gnomAD v4.1: 461 of 1,614,120 alleles (0.029%); highest among the groups gnomAD compares: Middle Eastern, 0.099%; 1 homozygote.

Submissions (5):

Women's Health and Genetics/Laboratory Corporation of America, LabCorp
Classification: Likely benign. Last evaluated: 2026-05-21. Review status: criteria provided, single submitter. Criteria: LabCorp Variant Classification Summary - May 2015. Collection method: clinical testing. Allele origin: germline.
Comment: Variant summary: TUBB1 c.388C>G (p.Leu130Val) results in a conservative amino acid change in the encoded protein sequence. Algorithms developed to predict the effect of missense changes on protein structure and function are either unavailable or do not agree on the potential impact of this missense change. The observed variant frequency within Ashkenazi Jewish control individuals in the gnomAD database exceeds the estimated maximal expected allele frequency for disease-causing variants in TUBB1. To our knowledge, no occurrence of c.388C>G in individuals affected with TUBB1-related conditions and no experimental evidence demonstrating its impact on protein function have been reported. ClinVar contains an entry for this variant (Variation ID: 1676726). Based on the evidence outlined above, the variant was classified as likely benign.

Labcorp Genetics (formerly Invitae), Labcorp
Classification: Benign. Last evaluated: 2026-01-21. Review status: criteria provided, single submitter. Criteria: Invitae Variant Classification Sherloc (09022015). Collection method: clinical testing. Allele origin: germline.

Mayo Clinic Laboratories, Mayo Clinic
Classification: Uncertain significance. Last evaluated: 2024-12-17. Review status: criteria provided, single submitter. Criteria: ACMG Guidelines, 2015. Collection method: clinical testing. Allele origin: germline. Observed: 1 variant allele.
Comment: PP3, PM1_supporting

CeGaT Center for Human Genetics Tuebingen
Classification: Likely benign. Last evaluated: 2024-08-01. Review status: criteria provided, single submitter. Criteria: CeGaT Center For Human Genetics Tuebingen Variant Classification Criteria Version 2. Collection method: clinical testing. Allele origin: germline. Affected: yes. Observed: 1 variant allele.
Comment: TUBB1: BS2

ISTH-SSC Genomics in Thrombosis and Hemostasis, KU Leuven, Center for Molecular and Vascular Biology
Classification: Uncertain significance for Macrothrombocytopenia, isolated, 1, autosomal dominant. Review status: criteria provided, single submitter. Criteria: ACMG Guidelines, 2015. Collection method: clinical testing. Allele origin: unknown. Affected: yes.
Comment: Submitted to GoldVariant by Kathleen Freson, Center for Molecular and Vascular Biology, Leuven, Belgium

Literature cited by the submitters: PubMed 34355501 (cited by ISTH-SSC Genomics in Thrombosis and Hemostasis, KU Leuven, Center for Molecular and Vascular Biology).

NM_030773.4(TUBB1):c.388C>G (p.Leu130Val)

Gene: TUBB1 (tubulin beta 1 class VI; plus strand). Cytogenetic location: 20q13.32.
Variant type: single nucleotide variant.
Coding change: c.388C>G on transcript NM_030773.4 (MANE Select); coding-DNA position 388, C replaced by G.
Protein change: p.Leu130Val; replaces leucine 130 with valine.
Molecular consequence: missense variant.
Genome position (GRCh38, 1-based): chr20:59,023,815, C>G. VCF-style: chr20-59023815-C-G. GRCh37 (hg19) VCF-style: chr20-57598870-C-G.
Other names: p.Leu130Val; short protein forms L130V.
Identifiers: ClinVar variation 1676726 (VCV001676726.23), dbSNP rs202177647, ClinGen allele CA9928495.